The following is an entry in ClinVar:

ClinVar aggregate classification (germline): Uncertain significance (0 of 4 stars; one submission).

Conditions:
KCNQ4-related disorder. Also called: KCNQ4-related condition.

Submission:

PreventionGenetics, part of Exact Sciences
Classification: Uncertain significance for KCNQ4-related condition. Last evaluated: 2024-04-12. Review status: no assertion criteria provided. Collection method: clinical testing. Allele origin: germline.
Comment: The KCNQ4 c.818C>G variant is predicted to result in the amino acid substitution p.Ser273Trp. To our knowledge, this variant has not been reported in the literature or in a large population database, indicating this variant is rare. The KCNQ4 pore forming region (amino acids 270 – 297) is considered a mutational hotspot due to intolerance to missense variation in the general population and enrichment of pathogenic missense variants in patients with autosomal dominant hearing loss (ClinGen Hearing Loss Variant Curation Expert Panel, Oza et al. 2018. PubMed ID: 30311386; Naito et al. 2013. PubMed ID: 23717403). Although we suspect that this variant may be pathogenic, at this time, the clinical significance of this variant is uncertain due to the absence of conclusive functional and genetic evidence.

NM_004700.4(KCNQ4):c.818C>G (p.Ser273Trp)

Gene: KCNQ4 (potassium voltage-gated channel subfamily Q member 4; plus strand). Cytogenetic location: 1p34.2.
Variant type: single nucleotide variant.
Coding change: c.818C>G on transcript NM_004700.4 (MANE Select); coding-DNA position 818, C replaced by G.
Protein change: p.Ser273Trp; replaces serine 273 with tryptophan.
Molecular consequence: missense variant.
Genome position (GRCh38, 1-based): chr1:40,819,456, C>G. VCF-style: chr1-40819456-C-G. GRCh37 (hg19) VCF-style: chr1-41285128-C-G.
Other names: c.818C>G, p.Ser273Trp (NM_172163.3); short protein forms S273W.
Identifiers: ClinVar variation 3061352 (VCV003061352.2), dbSNP rs2523886900, ClinGen allele CA339895688.